The following is an entry in ClinVar:

NM_020812.4(DOCK6):c.630G>A (p.Ala210=)

Gene: DOCK6 (dedicator of cytokinesis 6; minus strand). Cytogenetic location: 19p13.2.
Variant type: single nucleotide variant.
Coding change: c.630G>A on transcript NM_020812.4 (MANE Select); coding-DNA position 630, G replaced by A.
Protein change: p.Ala210=; no amino-acid change (alanine 210 retained).
Molecular consequence: synonymous variant.
Genome position (GRCh38, 1-based): chr19:11,250,964, C>T on the plus strand (G>A on the coding strand, the complement: DOCK6 is on the minus strand). VCF-style: chr19-11250964-C-T. GRCh37 (hg19) VCF-style: chr19-11361640-C-T.
Other names: c.630G>A, p.Ala210= (NM_001367830.1).
Identifiers: ClinVar variation 720596 (VCV000720596.33), dbSNP rs114634227, ClinGen allele CA9208425.

ClinVar aggregate classification (germline): Benign/Likely benign. Review status: criteria provided, multiple submitters, no conflicts (2 of 4 stars). 3 submissions from 3 submitters: Benign (1); Likely benign (2). Last evaluated 2026-01-18.

Allele frequency attached by ClinVar (database versions not stated): gnomAD exomes 0.00020 and 0.00058; ExAC 0.00071; ESP Exome Variant Server 0.00149; 1000 Genomes Project 0.00180; gnomAD 0.00203 and 0.00214; TOPMed 0.00207; 1000 Genomes Project 30x 0.00234.
gnomAD v4.1: 628 of 1,613,768 alleles (0.039%); highest among the groups gnomAD compares: African/African-American, 0.69%; 1 homozygote.

Submissions (3):

Labcorp Genetics (formerly Invitae), Labcorp
Classification: Benign. Last evaluated: 2026-01-18. Review status: criteria provided, single submitter. Criteria: Invitae Variant Classification Sherloc (09022015). Collection method: clinical testing. Allele origin: germline.

Blueprint Genetics
Classification: Likely benign. Last evaluated: 2023-11-20. Review status: criteria provided, single submitter. Criteria: ACMG Guidelines, 2015. Collection method: clinical testing. Allele origin: germline.

CeGaT Center for Human Genetics Tuebingen
Classification: Likely benign. Last evaluated: 2022-04-01. Review status: criteria provided, single submitter. Criteria: CeGaT Center For Human Genetics Tuebingen Variant Classification Criteria Version 2. Collection method: clinical testing. Allele origin: germline. Affected: yes. Observed: 1 variant allele.
Comment: DOCK6: BP4, BP7